The following is an entry in ClinVar:

NM_016604.4(KDM3B):c.1878C>G (p.Pro626=)

Gene: KDM3B (lysine demethylase 3B; plus strand). Cytogenetic location: 5q31.2.
Variant type: single nucleotide variant.
Coding change: c.1878C>G on transcript NM_016604.4 (MANE Select); coding-DNA position 1878, C replaced by G.
Protein change: p.Pro626=; no amino-acid change (proline 626 retained).
Molecular consequence: synonymous variant.
Genome position (GRCh38, 1-based): chr5:138,391,510, C>G. VCF-style: chr5-138391510-C-G. GRCh37 (hg19) VCF-style: chr5-137727199-C-G.
Identifiers: ClinVar variation 4083943 (VCV004083943.8).
Genomic context (GRCh38, chr5:138,391,510, plus strand): 5'-ACGGAGCCTCCTAAATGCCCGTACCCCAGAGAATCATGAAAATCTATTTTTACAGCCCCC[C>G]AAATTGTCCCGAGAAGAGCCTTCTAATCCTTTCCTGGCATTTGTGGAGAAAGTTGAACAC-3'
Protein context (NP_057688.3, residues 616-636): ENHENLFLQP[Pro626=]KLSREEPSNP

ClinVar aggregate classification (germline): Likely benign (1 of 4 stars; one submission).

gnomAD v4.1: 4 of 1,613,982 alleles (0.00025%); highest among the groups gnomAD compares: African/African-American, 0.0027%; no homozygotes.

Submission:

CeGaT Center for Human Genetics Tuebingen
Classification: Likely benign. Last evaluated: 2025-07-01. Review status: criteria provided, single submitter. Criteria: CeGaT Center For Human Genetics Tuebingen Variant Classification Criteria Version 2. Collection method: clinical testing. Allele origin: germline. Affected: yes. Observed: 1 variant allele.
Comment: KDM3B: BP4, BP7